The following is an entry in ClinVar:

NM_153717.3(EVC):c.230C>T (p.Ser77Leu)

Gene: EVC (EvC ciliary complex subunit 1; plus strand). Cytogenetic location: 4p16.2.
Variant type: single nucleotide variant.
Coding change: c.230C>T on transcript NM_153717.3 (MANE Select); coding-DNA position 230, C replaced by T.
Protein change: p.Ser77Leu; replaces serine 77 with leucine.
Molecular consequence: missense variant.
Genome position (GRCh38, 1-based): chr4:5,719,303, C>T. VCF-style: chr4-5719303-C-T. GRCh37 (hg19) VCF-style: chr4-5721030-C-T.
Other names: c.230C>T (NM_153717.2); c.230C>T, p.Ser77Leu (NM_001306090.2, NM_001306092.2); short protein forms S77L.
Identifiers: ClinVar variation 2043780 (VCV002043780.3), dbSNP rs766938849, ClinGen allele CA2835605.

ClinVar aggregate classification (germline): Conflicting classifications of pathogenicity. Review status: criteria provided, conflicting classifications (1 of 4 stars). 2 submissions from 2 submitters: Uncertain significance (1); Likely benign (1). Last evaluated 2025-11-10.

Conditions:
Ellis-van Creveld syndrome (EVC). Also called: MESOECTODERMAL DYSPLASIA; EVC-Related Ellis-van Creveld Syndrome; EVC2-Related Ellis-van Creveld Syndrome; Chondroectodermal dysplasia. Identifiers: Orphanet 289, MedGen C0013903, MONDO:0009162, OMIM 225500.
Curry-Hall syndrome (WAD). Also called: WEYERS ACRODENTAL DYSOSTOSIS. Identifiers: Orphanet 952, MedGen C0457013, MONDO:0008673, OMIM 193530.
Inborn genetic diseases. Identifiers: MedGen C0950123, MeSH D030342.

Allele frequency attached by ClinVar (database versions not stated): TOPMed below 0.00001; ExAC 0.00001; gnomAD 0.00001.
gnomAD v4.1: 24 of 1,614,048 alleles (0.0015%); highest among the groups gnomAD compares: Admixed American, 0.0017%; no homozygotes.

Submissions (2):

Labcorp Genetics (formerly Invitae), Labcorp
Classification: Uncertain significance for Curry-Hall syndrome; Ellis-van Creveld syndrome. Last evaluated: 2025-11-10. Review status: criteria provided, single submitter. Criteria: Invitae Variant Classification Sherloc (09022015). Collection method: clinical testing. Allele origin: germline.
Comment: This sequence change replaces serine, which is neutral and polar, with leucine, which is neutral and non-polar, at codon 77 of the EVC protein (p.Ser77Leu). This variant is present in population databases (rs766938849, gnomAD 0.004%). This variant has not been reported in the literature in individuals affected with EVC-related conditions. ClinVar contains an entry for this variant (Variation ID: 2043780). Invitae Evidence Modeling of protein sequence and biophysical properties (such as structural, functional, and spatial information, amino acid conservation, physicochemical variation, residue mobility, and thermodynamic stability) indicates that this missense variant is not expected to disrupt EVC protein function with a negative predictive value of 95%. In summary, the available evidence is currently insufficient to determine the role of this variant in disease. Therefore, it has been classified as a Variant of Uncertain Significance.

Ambry Genetics
Classification: Likely benign for Inborn genetic diseases. Last evaluated: 2023-09-26. Review status: criteria provided, single submitter. Criteria: Ambry Variant Classification Scheme 2023. Collection method: clinical testing. Allele origin: germline.